The following is an entry in ClinVar:

NM_018897.3(DNAH7):c.1840A>G (p.Ile614Val)

Gene: DNAH7 (dynein axonemal heavy chain 7; minus strand). Cytogenetic location: 2q32.3.
Variant type: single nucleotide variant.
Coding change: c.1840A>G on transcript NM_018897.3 (MANE Select); coding-DNA position 1840, A replaced by G.
Protein change: p.Ile614Val; replaces isoleucine 614 with valine.
Molecular consequence: missense variant.
Genome position (GRCh38, 1-based): chr2:195,972,460, T>C on the plus strand (A>G on the coding strand, the complement: DNAH7 is on the minus strand). VCF-style: chr2-195972460-T-C. GRCh37 (hg19) VCF-style: chr2-196837184-T-C.
Other names: short protein forms I614V.
Identifiers: ClinVar variation 3041677 (VCV003041677.2), dbSNP rs778794295, ClinGen allele CA2036501.

ClinVar aggregate classification (germline): Likely benign (0 of 4 stars; one submission).

Conditions:
DNAH7-related disorder. Also called: DNAH7-related condition.

Allele frequency attached by ClinVar (database versions not stated): TOPMed 0.00001; gnomAD 0.00007.
gnomAD v4.1: 222 of 1,613,636 alleles (0.014%); highest among the groups gnomAD compares: South Asian, 0.24%; 1 homozygote.

Submission:

PreventionGenetics, part of Exact Sciences
Classification: Likely benign for DNAH7-related condition. Last evaluated: 2019-05-08. Review status: no assertion criteria provided. Collection method: clinical testing. Allele origin: germline.
Comment: This variant is classified as likely benign based on ACMG/AMP sequence variant interpretation guidelines (Richards et al. 2015 PMID: 25741868, with internal and published modifications).